The following is an entry in ClinVar:

NM_006904.7(PRKDC):c.235C>T (p.Arg79Cys)

Gene: PRKDC (protein kinase, DNA-activated, catalytic subunit; minus strand). Cytogenetic location: 8q11.21.
Variant type: single nucleotide variant.
Coding change: c.235C>T on transcript NM_006904.7 (MANE Select); coding-DNA position 235, C replaced by T.
Protein change: p.Arg79Cys; replaces arginine 79 with cysteine.
Molecular consequence: missense variant.
Genome position (GRCh38, 1-based): chr8:47,957,260, G>A on the plus strand (C>T on the coding strand, the complement: PRKDC is on the minus strand). VCF-style: chr8-47957260-G-A. GRCh37 (hg19) VCF-style: chr8-48869820-G-A.
Other names: c.235C>T, p.Arg79Cys (NM_001081640.2); short protein forms R79C.
Identifiers: ClinVar variation 2560670 (VCV002560670.2), dbSNP rs1160091654, ClinGen allele CA371141280.

ClinVar aggregate classification (germline): Uncertain significance (1 of 4 stars; one submission).

Allele frequency attached by ClinVar (database versions not stated): gnomAD exomes below 0.00001; TOPMed 0.00001.

Submission:

Ambry Genetics
Classification: Uncertain significance. Last evaluated: 2023-04-23. Review status: criteria provided, single submitter. Criteria: Ambry Variant Classification Scheme 2023. Collection method: clinical testing. Allele origin: germline.
Comment: The p.R79C variant (also known as c.235C>T), located in coding exon 3 of the PRKDC gene, results from a C to T substitution at nucleotide position 235. The arginine at codon 79 is replaced by cysteine, an amino acid with highly dissimilar properties. This amino acid position is conserved. In addition, the in silico prediction for this alteration is inconclusive. Since supporting evidence is limited at this time, the clinical significance of this alteration remains unclear.